The following is an entry in ClinVar:

NM_005631.5(SMO):c.704C>T (p.Ala235Val)

Gene: SMO (smoothened, frizzled class receptor; plus strand). Cytogenetic location: 7q32.1.
Variant type: single nucleotide variant.
Coding change: c.704C>T on transcript NM_005631.5 (MANE Select); coding-DNA position 704, C replaced by T.
Protein change: p.Ala235Val; replaces alanine 235 with valine.
Molecular consequence: missense variant.
Genome position (GRCh38, 1-based): chr7:129,205,369, C>T. VCF-style: chr7-129205369-C-T. GRCh37 (hg19) VCF-style: chr7-128845210-C-T.
Other names: short protein forms A235V.
Identifiers: ClinVar variation 1704079 (VCV001704079.2), dbSNP rs142599757, ClinGen allele CA4479167.
Genomic context (GRCh38, chr7:129,205,369, plus strand): 5'-TCCAGTGCCAGAACCCGCTCTTCACAGAGGCTGAGCACCAGGACATGCACAGCTACATCG[C>T]GGCCTTCGGGGCCGTCACGGGCCTCTGCACGCTCTTCACCCTGGTCAGCCGCGGGAGGGC-3'
Protein context (NP_005622.1, residues 225-245): AEHQDMHSYI[Ala235Val]AFGAVTGLCT

ClinVar aggregate classification (germline): Uncertain significance (1 of 4 stars; one submission).

Allele frequency attached by ClinVar (database versions not stated): TOPMed 0.00008; gnomAD exomes 0.00009; gnomAD 0.00010; ESP Exome Variant Server 0.00015; ExAC 0.00017.
gnomAD v4.1: 148 of 1,613,016 alleles (0.0092%); highest among the groups gnomAD compares: Middle Eastern, 0.16%; 1 homozygote.

Submission:

GeneDx
Classification: Uncertain significance. Last evaluated: 2022-03-04. Review status: criteria provided, single submitter. Criteria: GeneDx Variant Classification Process June 2021. Collection method: clinical testing. Allele origin: germline. Affected: yes.
Comment: In silico analysis supports that this missense variant does not alter protein structure/function; Has not been previously published as pathogenic or benign to our knowledge